The following is an entry in ClinVar:

NM_018706.7(DHTKD1):c.115G>A (p.Glu39Lys)

Genes: DHTKD1 (dehydrogenase E1 and transketolase domain containing 1; plus strand), LOC130003343 (ATAC-STARR-seq lymphoblastoid silent region 2137; plus strand). Cytogenetic location: 10p14.
Variant type: single nucleotide variant.
Coding change: c.115G>A on transcript NM_018706.7 (MANE Select); coding-DNA position 115, G replaced by A.
Protein change: p.Glu39Lys; replaces glutamic acid 39 with lysine.
Molecular consequence: missense variant.
Genome position (GRCh38, 1-based): chr10:12,069,148, G>A. VCF-style: chr10-12069148-G-A. GRCh37 (hg19) VCF-style: chr10-12111147-G-A.
Other names: short protein forms E39K.
Identifiers: ClinVar variation 1384324 (VCV001384324.6), dbSNP rs757691933, ClinGen allele CA5407439.
Genomic context (GRCh38, chr10:12,069,148, plus strand): 5'-CTCTTCTGGCGTGGCTACCAGACCGAGCGGGGCGTTTACGGCTACCGGCCGAGGAAGCCC[G>A]AGAGCCGCGAGCCCCAGGGCGCCCTGGAGCGCCCCCCAGGTCGGGGATGGGGCCCGGGCG-3'
Protein context (NP_061176.4, residues 29-49): GVYGYRPRKP[Glu39Lys]SREPQGALER

ClinVar aggregate classification (germline): Uncertain significance (1 of 4 stars; one submission).

Conditions:
2-aminoadipic 2-oxoadipic aciduria (AAKAD). Also called: ALPHA-AMINOADIPIC AND ALPHA-KETOADIPIC ACIDURIA; Aminoadipic aciduria. Identifiers: Orphanet 79154, MedGen C1859817, MONDO:0008774, OMIM 204750.

Allele frequency attached by ClinVar (database versions not stated): gnomAD exomes 0.00002; ExAC 0.00003.
gnomAD v4.1: 10 of 1,572,354 alleles (0.00064%); highest among the groups gnomAD compares: Admixed American, 0.0056%; no homozygotes.

Submission:

Labcorp Genetics (formerly Invitae), Labcorp
Classification: Uncertain significance for 2-aminoadipic 2-oxoadipic aciduria. Last evaluated: 2025-06-01. Review status: criteria provided, single submitter. Criteria: Invitae Variant Classification Sherloc (09022015). Collection method: clinical testing. Allele origin: germline.
Comment: This sequence change replaces glutamic acid, which is acidic and polar, with lysine, which is basic and polar, at codon 39 of the DHTKD1 protein (p.Glu39Lys). This variant is present in population databases (rs757691933, gnomAD 0.006%). This variant has not been reported in the literature in individuals affected with DHTKD1-related conditions. ClinVar contains an entry for this variant (Variation ID: 1384324). An algorithm developed to predict the effect of missense changes on protein structure and function outputs the following: PolyPhen-2: "Benign". The lysine amino acid residue is found in multiple mammalian species, which suggests that this missense change does not adversely affect protein function. In summary, the available evidence is currently insufficient to determine the role of this variant in disease. Therefore, it has been classified as a Variant of Uncertain Significance.